The following is an entry in ClinVar:

NM_004415.4(DSP):c.7552G>A (p.Val2518Ile)

Gene: DSP (desmoplakin; plus strand). Cytogenetic location: 6p24.3.
Variant type: single nucleotide variant.
Coding change: c.7552G>A on transcript NM_004415.4 (MANE Select); coding-DNA position 7552, G replaced by A.
Protein change: p.Val2518Ile; replaces valine 2518 with isoleucine.
Molecular consequence: missense variant.
Genome position (GRCh38, 1-based): chr6:7,584,814, G>A. VCF-style: chr6-7584814-G-A. GRCh37 (hg19) VCF-style: chr6-7585047-G-A.
Other names: c.5755G>A, p.Val1919Ile (NM_001008844.3); c.6223G>A, p.Val2075Ile (NM_001319034.2); c.7552G>A (LRG_423t1, NM_004415.3); short protein forms V2518I, V2075I, V1919I.
Identifiers: ClinVar variation 246673 (VCV000246673.26), dbSNP rs757394666, ClinGen allele CA050116.
Genomic context (GRCh38, chr6:7,584,814, plus strand): 5'-GAGCAGGAATGTGAATGGGAAGAAATAACCATCACGGGATCAGATGGCTCCACCAGGGTG[G>A]TCCTGGTAGATAGAAAGACAGGCAGTCAGTATGATATTCAAGATGCTATTGACAAGGGCC-3'
Protein context (NP_004406.2, residues 2508-2528): ITGSDGSTRV[Val2518Ile]LVDRKTGSQY

ClinVar aggregate classification (germline): Conflicting classifications of pathogenicity. Review status: criteria provided, conflicting classifications (1 of 4 stars). 9 submissions from 9 submitters: Uncertain significance (6); Likely benign (2). 1 of the submissions does not count toward it. Last evaluated 2025-12-17.

Conditions:
Cardiovascular phenotype. Identifiers: MedGen CN230736.
DSP-related disorder. Also called: DSP-related condition; DSP-related disorders.
Arrhythmogenic right ventricular dysplasia 8 (ARVD8). Also called: Arrhythmogenic Right Ventricular Dysplasia/Cardiomyopathy 8; ARRHYTHMOGENIC RIGHT VENTRICULAR DYSPLASIA, FAMILIAL, 8; ARRHYTHMOGENIC RIGHT VENTRICULAR CARDIOMYOPATHY 8. Identifiers: MedGen C1843896, MONDO:0011831, OMIM 607450.
Arrhythmogenic cardiomyopathy with wooly hair and keratoderma. Also called: Carvajal syndrome; Dilated cardiomyopathy with woolly hair and keratoderma; PALMOPLANTAR KERATODERMA WITH LEFT VENTRICULAR CARDIOMYOPATHY AND WOOLLY HAIR; Arrhythmogenic cardiomyopathy with woolly hair and keratoderma. Identifiers: Orphanet 65282, MedGen C1854063, MONDO:0011581, OMIM 605676.
Cardiomyopathy (CMYO). Also called: Cardiomyopathies. Identifiers: Orphanet 167848, MedGen C0878544, MONDO:0004994, HP:0001638. Inheritance: Various modes of inheritance.

Allele frequency attached by ClinVar (database versions not stated): ExAC 0.00002; gnomAD exomes 0.00002; gnomAD 0.00007 and 0.00008; TOPMed 0.00010.
gnomAD v4.1: 35 of 1,614,078 alleles (0.0022%); highest among the groups gnomAD compares: Admixed American, 0.018%; no homozygotes.

Submissions (9):

Labcorp Genetics (formerly Invitae), Labcorp
Classification: Likely benign for Arrhythmogenic cardiomyopathy with wooly hair and keratoderma; Arrhythmogenic right ventricular dysplasia 8. Last evaluated: 2025-12-17. Review status: criteria provided, single submitter. Criteria: Invitae Variant Classification Sherloc (09022015). Collection method: clinical testing. Allele origin: germline.

Molecular Diagnostic Laboratory for Inherited Cardiovascular Disease, Montreal Heart Institute
Classification: Likely benign. Last evaluated: 2025-04-09. Review status: criteria provided, single submitter. Criteria: ACMG Guidelines, 2015. Collection method: clinical testing. Allele origin: germline. Affected: no.
Comment: BP4, BP5

GeneDx
Classification: Uncertain significance. Last evaluated: 2024-10-08. Review status: criteria provided, single submitter. Criteria: GeneDx Variant Classification Process June 2021. Collection method: clinical testing. Allele origin: germline. Affected: yes.
Comment: Identified in a patient with HCM who also harbored a frameshift variant in ALPK3 (PMID: 35475074); In silico analysis indicates that this missense variant does not alter protein structure/function; This variant is associated with the following publications: (PMID: 35475074, 29032884)

Ambry Genetics
Classification: Uncertain significance for Cardiovascular phenotype. Last evaluated: 2024-08-30. Review status: criteria provided, single submitter. Criteria: Ambry Variant Classification Scheme 2023. Collection method: clinical testing. Allele origin: germline.
Comment: The p.V2518I variant (also known as c.7552G>A), located in coding exon 24 of the DSP gene, results from a G to A substitution at nucleotide position 7552. The valine at codon 2518 is replaced by isoleucine, an amino acid with highly similar properties. This alteration has been reported in an idiopathic ventricular fibrillation cohort (Leinonen JT et al. Int J Cardiol, 2018 Jan;250:139-145). This variant has also been reported in a hypertrophic cardiomyopathy (HCM) and a cardiac conditions cohort (Carlo S et al. Cureus, 2022 Mar;14:e23349; Fernandez-Falgueras A et al. PLoS One, 2024 May;19:e0297914). This amino acid position is well conserved in available vertebrate species. In addition, this alteration is predicted to be tolerated by in silico analysis. Since supporting evidence is limited at this time, the clinical significance of this alteration remains unclear.

Blueprint Genetics
Classification: Uncertain significance. Last evaluated: 2024-08-06. Review status: criteria provided, single submitter. Criteria: ACMG Guidelines, 2015. Collection method: clinical testing. Allele origin: germline.

All of Us Research Program, National Institutes of Health
Classification: Uncertain significance for Arrhythmogenic cardiomyopathy with wooly hair and keratoderma. Last evaluated: 2024-05-30. Review status: criteria provided, single submitter. Criteria: ACMG Guidelines, 2015. Collection method: clinical testing. Allele origin: germline. Inheritance: Autosomal dominant inheritance. Observed: 19 variant alleles, 19 heterozygotes.
Comment: This missense variant replaces valine with isoleucine at codon 2518 of the DSP protein. Computational prediction suggests that this variant may not impact protein structure and function (internally defined REVEL score threshold <= 0.5, PMID: 27666373). To our knowledge, functional studies have not been reported for this variant. This variant has been reported in an individual with ventricular fibrillation and an individual with arrhythmia (PMID: 29032884, Color internal data). This variant has been identified in 9/282880 chromosomes in the general population by the Genome Aggregation Database (gnomAD). The available evidence is insufficient to determine the role of this variant in disease conclusively. Therefore, this variant is classified as a Variant of Uncertain Significance.

This study involves interpretation of variants in research participants for the purpose of population health screening. Participant phenotype was not available at the time of variant classification. Additional details can be found in publication PMID: 35346344, PMCID: PMC8962531

Color Diagnostics, LLC DBA Color Health
Classification: Uncertain significance for Cardiomyopathy. Last evaluated: 2024-04-09. Review status: criteria provided, single submitter. Criteria: ACMG Guidelines, 2015. Collection method: clinical testing. Allele origin: germline.
Comment: This missense variant replaces valine with isoleucine at codon 2518 of the DSP protein. Computational prediction suggests that this variant may not impact protein structure and function (internally defined REVEL score threshold <= 0.5, PMID: 27666373). To our knowledge, functional studies have not been reported for this variant. This variant has been reported in an individual with ventricular fibrillation and an individual with arrhythmia (PMID: 29032884, Color internal data). This variant has been identified in 9/282880 chromosomes in the general population by the Genome Aggregation Database (gnomAD). The available evidence is insufficient to determine the role of this variant in disease conclusively. Therefore, this variant is classified as a Variant of Uncertain Significance.

Revvity Omics, Revvity
Classification: Uncertain significance. Last evaluated: 2022-06-03. Review status: criteria provided, single submitter. Criteria: ACMG Guidelines, 2015. Collection method: clinical testing. Allele origin: germline.

PreventionGenetics, part of Exact Sciences
Classification: Uncertain significance for DSP-related condition. Last evaluated: 2023-12-13. Review status: no assertion criteria provided. Collection method: clinical testing. Allele origin: germline. Not counted in ClinVar's aggregate classification.
Comment: The DSP c.7552G>A variant is predicted to result in the amino acid substitution p.Val2518Ile. This variant has been reported in an individual with idiopathic ventricular fibrillation and in another individual with hypertrophic cardiomyopathy, although additional variants were identified in cardiac-related genes in these individuals (Patient I34, Leinonen et al. 2018. PubMed ID: 29032884; Carlo et al. 2022. PubMed ID: 35475074). This variant is reported in 0.011% of alleles in individuals of Latino descent in gnomAD. At this time, the clinical significance of this variant is uncertain due to the absence of conclusive functional and genetic evidence.

Literature cited by the submitters: PubMed 29032884 (cited by 3 submitters); PubMed 35475074 (cited by Ambry Genetics); PubMed 38691546 (cited by Ambry Genetics).